The following is an entry in ClinVar:

ClinVar aggregate classification (germline): Pathogenic (1 of 4 stars; one submission).

Conditions:
Neu-Laxova syndrome 2. Identifiers: Orphanet 2671, Orphanet 583602, MedGen C4015019, MONDO:0014466, OMIM 616038.

Allele frequency attached by ClinVar (database versions not stated): ExAC 0.00001.

Submission:

Labcorp Genetics (formerly Invitae), Labcorp
Classification: Pathogenic for Neu-Laxova syndrome 2. Last evaluated: 2024-01-06. Review status: criteria provided, single submitter. Criteria: Invitae Variant Classification Sherloc (09022015). Collection method: clinical testing. Allele origin: germline.
Comment: This sequence change creates a premature translational stop signal (p.Trp257*) in the PSAT1 gene. It is expected to result in an absent or disrupted protein product. Loss-of-function variants in PSAT1 are known to be pathogenic (PMID: 17436247, 25152457). This variant is not present in population databases (gnomAD no frequency). This variant has not been reported in the literature in individuals affected with PSAT1-related conditions. For these reasons, this variant has been classified as Pathogenic.

Literature cited by the submitters: PubMed 17436247; PubMed 25152457.

NM_058179.4(PSAT1):c.770G>A (p.Trp257Ter)

Gene: PSAT1 (phosphoserine aminotransferase 1; plus strand). Cytogenetic location: 9q21.2.
Variant type: single nucleotide variant.
Coding change: c.770G>A on transcript NM_058179.4 (MANE Select); coding-DNA position 770, G replaced by A.
Protein change: p.Trp257Ter; replaces tryptophan 257 with a stop codon.
Molecular consequence: nonsense.
Genome position (GRCh38, 1-based): chr9:78,317,705, G>A. VCF-style: chr9-78317705-G-A. GRCh37 (hg19) VCF-style: chr9-80932621-G-A.
Other names: c.770G>A, p.Trp257Ter (NM_021154.5); short protein forms W257*.
Identifiers: ClinVar variation 2700711 (VCV002700711.3), dbSNP rs756304890, ClinGen allele CA5095726.
Genomic context (GRCh38, chr9:78,317,705, plus strand): 5'-TAAACGGATTTTTTAAAAATCTTCATTTTAGCATCTACGTCATGGGCTTGGTTCTGGAGT[G>A]GATTAAAAACAATGGAGGTGCCGCGGCCATGGAGAAGCTTAGCTCCATCAAATCTCAAAC-3'